The following is an entry in ClinVar:

NM_152564.5(VPS13B):c.9492T>C (p.Ser3164=)

Gene: VPS13B (vacuolar protein sorting 13 homolog B; plus strand). Cytogenetic location: 8q22.2.
Variant type: single nucleotide variant.
Coding change: c.9492T>C on transcript NM_152564.5 (MANE Select); coding-DNA position 9492, T replaced by C.
Protein change: p.Ser3164=; no amino-acid change (serine 3164 retained).
Molecular consequence: synonymous variant.
Genome position (GRCh38, 1-based): chr8:99,832,530, T>C. VCF-style: chr8-99832530-T-C. GRCh37 (hg19) VCF-style: chr8-100844758-T-C.
Other names: p.Ser3189=; c.9567T>C, p.Ser3189= (NM_017890.5).
Identifiers: ClinVar variation 95875 (VCV000095875.40), dbSNP rs36074608, ClinGen allele CA148987.

ClinVar aggregate classification (germline): Benign. Review status: criteria provided, multiple submitters, no conflicts (2 of 4 stars). 19 submissions from 19 submitters: Benign (15). 4 of the submissions do not count toward it. Last evaluated 2026-02-04.

Conditions:
Inborn genetic diseases. Identifiers: MedGen C0950123, MeSH D030342.
Cohen syndrome (COH1). Also called: PEPPER SYNDROME; Cutis verticis gyrata, retinitis pigmentosa, and sensorineural deafness. Identifiers: Orphanet 193, MedGen C0265223, MONDO:0008999, OMIM 216550.

Allele frequency attached by ClinVar (database versions not stated): ESP Exome Variant Server 0.14278; gnomAD 0.15932 and 0.16279; TOPMed 0.17333; gnomAD exomes 0.18057 and 0.20536; ExAC 0.19255; 1000 Genomes Project 30x 0.19706; 1000 Genomes Project 0.19708.
gnomAD v4.1: 288,206 of 1,613,574 alleles (18%); highest among the groups gnomAD compares: Admixed American, 37%; 28,588 homozygotes.

Submissions (19):

Labcorp Genetics (formerly Invitae), Labcorp
Classification: Benign for Cohen syndrome. Last evaluated: 2026-02-04. Review status: criteria provided, single submitter. Criteria: Invitae Variant Classification Sherloc (09022015). Collection method: clinical testing. Allele origin: germline.

Blueprint Genetics
Classification: Benign. Last evaluated: 2024-11-27. Review status: criteria provided, single submitter. Criteria: ACMG Guidelines, 2015. Collection method: clinical testing. Allele origin: germline.

Women's Health and Genetics/Laboratory Corporation of America, LabCorp
Classification: Benign. Last evaluated: 2021-07-14. Review status: criteria provided, single submitter. Criteria: LabCorp Variant Classification Summary - May 2015. Collection method: clinical testing. Allele origin: germline.

Genome-Nilou Lab
Classification: Benign for Cohen syndrome. Last evaluated: 2021-07-01. Review status: criteria provided, single submitter. Criteria: ACMG Guidelines, 2015. Collection method: clinical testing. Allele origin: germline. Affected: no.

Mayo Clinic Laboratories, Mayo Clinic
Classification: Benign. Last evaluated: 2018-03-28. Review status: criteria provided, single submitter. Criteria: ACMG Guidelines, 2015. Collection method: clinical testing. Allele origin: germline. Observed: 419 variant alleles.

Illumina Laboratory Services, Illumina
Classification: Benign for Cohen syndrome. Last evaluated: 2018-01-12. Review status: criteria provided, single submitter. Criteria: ICSL Variant Classification Criteria 13 December 2019. Collection method: clinical testing. Allele origin: germline.
Comment: This variant was observed in the ICSL laboratory as part of a predisposition screen in an ostensibly healthy population. It had not been previously curated by ICSL or reported in the Human Gene Mutation Database (HGMD: prior to June 1st, 2018), and was therefore a candidate for classification through an automated scoring system. Utilizing variant allele frequency, disease prevalence and penetrance estimates, and inheritance mode, an automated score was calculated to assess if this variant is too frequent to cause the disease. Based on the score and internal cut-off values, a variant classified as benign is not then subjected to further curation. The score for this variant resulted in a classification of benign for this disease.

Athena Diagnostics
Classification: Benign for Cohen syndrome. Last evaluated: 2017-05-17. Review status: criteria provided, single submitter. Criteria: Athena Diagnostics Criteria. Collection method: clinical testing. Allele origin: germline.

Laboratory for Molecular Medicine, Mass General Brigham Personalized Medicine
Classification: Benign. Last evaluated: 2016-03-29. Review status: criteria provided, single submitter. Criteria: LMM Criteria. Collection method: clinical testing. Allele origin: germline.
Comment: Variant identified in a genome or exome case(s) and assessed due to predicted null impact of the variant or pathogenic assertions in the literature or databases. Disclaimer: This variant has not undergone full assessment. The following are preliminary notes: Frequency, 2 labs classify as benign in ClinVar

Ambry Genetics
Classification: Benign for Inborn genetic diseases. Last evaluated: 2016-03-11. Review status: criteria provided, single submitter. Criteria: Ambry Variant Classification Scheme 2023. Collection method: clinical testing. Allele origin: germline.

Clinical Genetics DNA and cytogenetics Diagnostics Lab, Erasmus MC, Erasmus Medical Center
Classification: Benign for Cohen syndrome. Last evaluated: 2015-09-21. Review status: criteria provided, single submitter. Criteria: ACGS Guidelines, 2013. Collection method: clinical testing. Allele origin: germline. Affected: yes. Study: VKGL Data-share Consensus.

Eurofins Ntd Llc (ga)
Classification: Benign. Last evaluated: 2015-09-10. Review status: criteria provided, single submitter. Criteria: EGL Classification Definitions 2015. Collection method: clinical testing. Allele origin: germline. Observed: 48 variant alleles, 41 heterozygotes, 7 homozygotes.

GeneDx
Classification: Benign. Last evaluated: 2015-03-03. Review status: criteria provided, single submitter. Criteria: GeneDx Variant Classification Process June 2021. Collection method: clinical testing. Allele origin: germline. Affected: yes.

Genome Diagnostics Laboratory, University Medical Center Utrecht
Classification: Benign for Cohen syndrome. Last evaluated: 2014-10-10. Review status: criteria provided, single submitter. Criteria: ACGS Guidelines, 2013. Collection method: clinical testing. Allele origin: germline. Affected: yes. Study: VKGL Data-share Consensus.

Breakthrough Genomics
Classification: Benign. Review status: criteria provided, single submitter. Criteria: ACMG Guidelines, 2015. Collection method: not provided. Allele origin: germline. Inheritance: Autosomal recessive inheritance. Affected: yes.

PreventionGenetics, part of Exact Sciences
Classification: Benign. Review status: criteria provided, single submitter. Criteria: ACMG Guidelines, 2015. Collection method: clinical testing. Allele origin: germline.

Natera, Inc.
Classification: Benign for Cohen syndrome. Last evaluated: 2020-09-16. Review status: no assertion criteria provided. Collection method: clinical testing. Allele origin: germline. Not counted in ClinVar's aggregate classification.

Diagnostic Laboratory, Department of Genetics, University Medical Center Groningen
Classification: Benign for Cohen syndrome. Review status: no assertion criteria provided. Collection method: clinical testing. Allele origin: germline. Affected: yes. Study: VKGL Data-share Consensus. Not counted in ClinVar's aggregate classification.

Genetic Services Laboratory, University of Chicago
Classification: Likely benign for AllHighlyPenetrant. Review status: no assertion criteria provided. Collection method: clinical testing. Allele origin: germline. Inheritance: Autosomal recessive inheritance. Not counted in ClinVar's aggregate classification.
Comment: Likely benign based on allele frequency in 1000 Genomes Project or ESP global frequency and its presence in a patient with a rare or unrelated disease phenotype. NOT Sanger confirmed.

Joint Genome Diagnostic Labs from Nijmegen and Maastricht, Radboudumc and MUMC+
Classification: Benign. Review status: no assertion criteria provided. Collection method: clinical testing. Allele origin: germline. Affected: yes. Study: VKGL Data-share Consensus. Not counted in ClinVar's aggregate classification.

Literature cited by the submitters: PubMed 27175599 (cited by Athena Diagnostics).